The following is an entry in ClinVar:

NM_024339.5(THOC6):c.858C>T (p.Ser286=)

Gene: THOC6 (THO complex subunit 6; plus strand). Cytogenetic location: 16p13.3.
Variant type: single nucleotide variant.
Coding change: c.858C>T on transcript NM_024339.5 (MANE Select); coding-DNA position 858, C replaced by T.
Protein change: p.Ser286=; no amino-acid change (serine 286 retained).
Molecular consequence: synonymous variant. On other transcripts: intron variant (1).
Genome position (GRCh38, 1-based): chr16:3,027,413, C>T. VCF-style: chr16-3027413-C-T. GRCh37 (hg19) VCF-style: chr16-3077414-C-T.
Other names: c.786C>T, p.Ser262= (NM_001347703.2); c.858C>T, p.Ser286= (NM_001347704.2); c.810+133C>T (NM_001142350.3).
Identifiers: ClinVar variation 725528 (VCV000725528.6), dbSNP rs140664908, ClinGen allele CA7855207.

ClinVar aggregate classification (germline): Benign/Likely benign. Review status: criteria provided, multiple submitters, no conflicts (2 of 4 stars). 3 submissions from 3 submitters: Benign (1); Likely benign (2). Last evaluated 2026-09-01.

Allele frequency attached by ClinVar (database versions not stated): gnomAD exomes 0.00029 and 0.00124; gnomAD 0.00058 and 0.00061; ESP Exome Variant Server 0.00062; ExAC 0.00092; TOPMed 0.00099.
gnomAD v4.1: 513 of 1,612,192 alleles (0.032%); highest among the groups gnomAD compares: Admixed American, 0.56%; 3 homozygotes.

Submissions (3):

CeGaT Center for Human Genetics Tuebingen
Classification: Likely benign. Last evaluated: 2026-09-01. Review status: criteria provided, single submitter. Criteria: CeGaT Center For Human Genetics Tuebingen Variant Classification Criteria Version 2. Collection method: clinical testing. Allele origin: germline. Affected: yes. Observed: 2 variant alleles.
Comment: THOC6: BP4, BP7

Blueprint Genetics
Classification: Likely benign. Last evaluated: 2024-11-25. Review status: criteria provided, single submitter. Criteria: ACMG Guidelines, 2015. Collection method: clinical testing. Allele origin: germline.

Labcorp Genetics (formerly Invitae), Labcorp
Classification: Benign. Last evaluated: 2019-12-31. Review status: criteria provided, single submitter. Criteria: Invitae Variant Classification Sherloc (09022015). Collection method: clinical testing. Allele origin: germline.